The following is an entry in ClinVar:

ClinVar aggregate classification (germline): Likely benign (1 of 4 stars; one submission).

Allele frequency attached by ClinVar (database versions not stated): TOPMed 0.00061; ESP Exome Variant Server 0.00062; ExAC 0.00076; 1000 Genomes Project 30x 0.00078; 1000 Genomes Project 0.00100.
gnomAD v4.1: 984 of 1,613,890 alleles (0.061%); highest among the groups gnomAD compares: African/African-American, 0.11%; 1 homozygote.

Submission:

CeGaT Center for Human Genetics Tuebingen
Classification: Likely benign. Last evaluated: 2023-11-01. Review status: criteria provided, single submitter. Criteria: CeGaT Center For Human Genetics Tuebingen Variant Classification Criteria Version 2. Collection method: clinical testing. Allele origin: germline. Affected: yes. Observed: 1 variant allele.
Comment: SDK1: BP4

NM_152744.4(SDK1):c.5678A>G (p.Asn1893Ser)

Gene: SDK1 (sidekick cell adhesion molecule 1; plus strand). Cytogenetic location: 7p22.2.
Variant type: single nucleotide variant.
Coding change: c.5678A>G on transcript NM_152744.4 (MANE Select); coding-DNA position 5678, A replaced by G.
Protein change: p.Asn1893Ser; replaces asparagine 1893 with serine.
Molecular consequence: missense variant.
Genome position (GRCh38, 1-based): chr7:4,220,247, A>G. VCF-style: chr7-4220247-A-G. GRCh37 (hg19) VCF-style: chr7-4259879-A-G.
Other names: c.1139A>G, p.Asn380Ser (NM_001079653.2); short protein forms N1893S, N380S.
Identifiers: ClinVar variation 2673098 (VCV002673098.23), dbSNP rs149005994, ClinGen allele CA4135765.